The following is an entry in ClinVar:

NM_153026.3(PRICKLE1):c.458del (p.Pro153fs)

Gene: PRICKLE1 (prickle planar cell polarity protein 1; minus strand). Cytogenetic location: 12q12.
Variant type: Deletion.
Coding change: c.458del on transcript NM_153026.3 (MANE Select); coding-DNA position 458, one base deleted (C; older notation c.458delC).
Protein change: p.Pro153fs; shifts the reading frame from proline 153.
Molecular consequence: frameshift variant.
Genome position (GRCh38, 1-based): chr12:42,468,756, G deleted on the plus strand (C on the coding strand, the reverse complement: PRICKLE1 is on the minus strand); the first of 3 consecutive G bases (chr12:42,468,756-42,468,758); deleting any one gives the same sequence. VCF-style (leftmost placement, unchanged base first): chr12-42468755-TG-T. GRCh37 (hg19) VCF-style: chr12-42862557-TG-T.
Other names: c.458del, p.Pro153fs (NM_001144881.2, NM_001144882.2, NM_001144883.2); short protein forms P153fs.
Identifiers: ClinVar variation 2036232 (VCV002036232.4), dbSNP rs2503451433, ClinGen allele CA2580085436.

ClinVar aggregate classification (germline): Uncertain significance (1 of 4 stars; one submission).

Conditions:
Epilepsy, progressive myoclonic, 1B. Also called: PME. Identifiers: Orphanet 308, MedGen C2676254, MONDO:0012904, OMIM 612437.

Submission:

Labcorp Genetics (formerly Invitae), Labcorp
Classification: Uncertain significance for Epilepsy, progressive myoclonic, 1B. Last evaluated: 2022-11-29. Review status: criteria provided, single submitter. Criteria: Invitae Variant Classification Sherloc (09022015). Collection method: clinical testing. Allele origin: germline.
Comment: In summary, the available evidence is currently insufficient to determine the role of this variant in disease. Therefore, it has been classified as a Variant of Uncertain Significance. This variant has not been reported in the literature in individuals affected with PRICKLE1-related conditions. This variant is not present in population databases (gnomAD no frequency). This sequence change creates a premature translational stop signal (p.Pro153Hisfs*45) in the PRICKLE1 gene. It is expected to result in an absent or disrupted protein product. However, the current clinical and genetic evidence is not sufficient to establish whether loss-of-function variants in PRICKLE1 cause disease.